The following is an entry in ClinVar:

NM_001111.5(ADAR):c.658G>A (p.Ala220Thr)

Gene: ADAR (adenosine deaminase RNA specific; minus strand). Cytogenetic location: 1q21.3.
Variant type: single nucleotide variant.
Coding change: c.658G>A on transcript NM_001111.5 (MANE Select); coding-DNA position 658, G replaced by A.
Protein change: p.Ala220Thr; replaces alanine 220 with threonine.
Molecular consequence: missense variant. On other transcripts: 5 prime UTR variant (6).
Genome position (GRCh38, 1-based): chr1:154,601,984, C>T on the plus strand (G>A on the coding strand, the complement: ADAR is on the minus strand). VCF-style: chr1-154601984-C-T. GRCh37 (hg19) VCF-style: chr1-154574460-C-T.
Other names: c.-228G>A (NM_001025107.3, NM_001193495.2, NM_001365046.1 and 3 more transcripts); c.685G>A, p.Ala229Thr (NM_001365045.1); c.658G>A, p.Ala220Thr (NM_015840.4, NM_015841.4); short protein forms A220T, A229T.
Identifiers: ClinVar variation 2421302 (VCV002421302.6), dbSNP rs1255977706, ClinGen allele CA342600570.

ClinVar aggregate classification (germline): Uncertain significance (1 of 4 stars; one submission).

Conditions:
Symmetrical dyschromatosis of extremities (DSH). Also called: Dyschromatosis symmetrica hereditaria; RETICULATE ACROPIGMENTATION OF DOHI; SYMMETRIC DYSCHROMATOSIS OF THE EXTREMITIES; DYSCHROMATOSIS SYMMETRICA HEREDITARIA 1. Identifiers: Orphanet 41, MedGen C0406775, MONDO:0007483, OMIM 127400.
Aicardi-Goutieres syndrome 6 (AGS6). Identifiers: Orphanet 51, MedGen C3539013, MONDO:0014007, OMIM 615010.

Allele frequency attached by ClinVar (database versions not stated): gnomAD 0.00001; TOPMed 0.00002.
gnomAD v4.1: 4 of 1,612,094 alleles (0.00025%); highest among the groups gnomAD compares: African/African-American, 0.004%; no homozygotes.

Submission:

Labcorp Genetics (formerly Invitae), Labcorp
Classification: Uncertain significance for Aicardi-Goutieres syndrome 6; Symmetrical dyschromatosis of extremities. Last evaluated: 2025-12-08. Review status: criteria provided, single submitter. Criteria: Invitae Variant Classification Sherloc (09022015). Collection method: clinical testing. Allele origin: germline.
Comment: This sequence change replaces alanine, which is neutral and non-polar, with threonine, which is neutral and polar, at codon 220 of the ADAR protein (p.Ala220Thr). This variant is present in population databases (no rsID available, gnomAD 0.007%). This variant has not been reported in the literature in individuals affected with ADAR-related conditions. ClinVar contains an entry for this variant (Variation ID: 2421302). An algorithm developed to predict the effect of missense changes on protein structure and function outputs the following: PolyPhen-2: "Not Available". The threonine amino acid residue is found in multiple mammalian species, which suggests that this missense change does not adversely affect protein function. In summary, the available evidence is currently insufficient to determine the role of this variant in disease. Therefore, it has been classified as a Variant of Uncertain Significance.